The following is an entry in ClinVar:

NM_002599.5(PDE2A):c.632A>G (p.Glu211Gly)

Gene: PDE2A (phosphodiesterase 2A; minus strand). Cytogenetic location: 11q13.4.
Variant type: single nucleotide variant.
Coding change: c.632A>G on transcript NM_002599.5 (MANE Select); coding-DNA position 632, A replaced by G.
Protein change: p.Glu211Gly; replaces glutamic acid 211 with glycine.
Molecular consequence: missense variant.
Genome position (GRCh38, 1-based): chr11:72,590,498, T>C on the plus strand (A>G on the coding strand, the complement: PDE2A is on the minus strand). VCF-style: chr11-72590498-T-C. GRCh37 (hg19) VCF-style: chr11-72301542-T-C.
Other names: c.611A>G, p.Glu204Gly (NM_001143839.4); c.605A>G, p.Glu202Gly (NM_001146209.3); c.569A>G, p.Glu190Gly (NM_001243784.2); c.632A>G (NM_002599.4); short protein forms E190G, E202G, E204G, E211G.
Identifiers: ClinVar variation 1719392 (VCV001719392.6), dbSNP rs1463996978, ClinGen allele CA381766184.

ClinVar aggregate classification (germline): Uncertain significance. Review status: criteria provided, multiple submitters, no conflicts (2 of 4 stars). 2 submissions from 2 submitters: Uncertain significance (2). Last evaluated 2023-12-27.

Conditions:
Inborn genetic diseases. Identifiers: MedGen C0950123, MeSH D030342.

Allele frequency attached by ClinVar (database versions not stated): gnomAD exomes below 0.00001.
gnomAD v4.1: 1 of 1,512,766 alleles (0.000066%); highest among the groups gnomAD compares: Non-Finnish European, 0.000088%; no homozygotes.

Submissions (2):

Ambry Genetics
Classification: Uncertain significance for Inborn genetic diseases. Last evaluated: 2023-12-27. Review status: criteria provided, single submitter. Criteria: Ambry Variant Classification Scheme 2023. Collection method: clinical testing. Allele origin: germline.

Labcorp Genetics (formerly Invitae), Labcorp
Classification: Uncertain significance. Last evaluated: 2022-07-19. Review status: criteria provided, single submitter. Criteria: Invitae Variant Classification Sherloc (09022015). Collection method: clinical testing. Allele origin: germline.
Comment: In summary, the available evidence is currently insufficient to determine the role of this variant in disease. Therefore, it has been classified as a Variant of Uncertain Significance. Algorithms developed to predict the effect of missense changes on protein structure and function (SIFT, PolyPhen-2, Align-GVGD) all suggest that this variant is likely to be tolerated. This variant has not been reported in the literature in individuals affected with PDE2A-related conditions. The frequency data for this variant in the population databases is considered unreliable, as metrics indicate poor data quality at this position in the gnomAD database. This sequence change replaces glutamic acid, which is acidic and polar, with glycine, which is neutral and non-polar, at codon 211 of the PDE2A protein (p.Glu211Gly).